The following is an entry in ClinVar:

NM_000038.6(APC):c.807C>A (p.Ile269=)

Gene: APC (APC regulator of Wnt signaling pathway; plus strand). Cytogenetic location: 5q22.2.
Variant type: single nucleotide variant.
Coding change: c.807C>A on transcript NM_000038.6 (MANE Select); coding-DNA position 807, C replaced by A.
Protein change: p.Ile269=; no amino-acid change (isoleucine 269 retained).
Molecular consequence: synonymous variant. On other transcripts: 5 prime UTR variant (1).
Genome position (GRCh38, 1-based): chr5:112,801,356, C>A. VCF-style: chr5-112801356-C-A. GRCh37 (hg19) VCF-style: chr5-112137053-C-A.
Other names: c.807C>A, p.Ile269= (NM_001127510.3, NM_001354895.2, NM_001354896.2 and 1 more transcripts); c.753C>A, p.Ile251= (NM_001127511.3); c.837C>A, p.Ile279= (NM_001354897.2, NM_001354902.2); c.732C>A, p.Ile244= (NM_001354898.2, NM_001354904.2); c.723C>A, p.Ile241= (NM_001354899.2); c.630C>A, p.Ile210= (NM_001354900.2, NM_001354901.2, NM_001354905.2); c.-229C>A (NM_001354906.2).
Identifiers: ClinVar variation 470128 (VCV000470128.18), dbSNP rs1000878850, ClinGen allele CA445755643.

ClinVar aggregate classification (germline): Benign/Likely benign. Review status: criteria provided, multiple submitters, no conflicts (2 of 4 stars). 5 submissions from 5 submitters: Benign (1); Likely benign (4). Last evaluated 2025-11-23.

Conditions:
Hereditary cancer-predisposing syndrome. Also called: Hereditary neoplastic syndrome; Neoplastic Syndromes, Hereditary; Tumor predisposition; Hereditary Cancer Syndrome. Identifiers: Orphanet 140162, MedGen C0027672, MeSH D009386, MONDO:0015356.
Familial adenomatous polyposis 1 (FAP1). Also called: POLYPOSIS, ADENOMATOUS INTESTINAL; FAMILIAL ADENOMATOUS POLYPOSIS 1, ATTENUATED. Identifiers: MedGen C2713442, MONDO:0021056, OMIM 175100. Disease mechanism: loss of function.
Classic or attenuated familial adenomatous polyposis. Identifiers: MedGen CN372698, MONDO:0021057.

Allele frequency attached by ClinVar (database versions not stated): gnomAD exomes below 0.00001.
gnomAD v4.1: 3 of 1,611,708 alleles (0.00019%); highest among the groups gnomAD compares: African/African-American, 0.0027%; no homozygotes.

Submissions (5):

Labcorp Genetics (formerly Invitae), Labcorp
Classification: Likely benign for Familial adenomatous polyposis 1. Last evaluated: 2025-11-23. Review status: criteria provided, single submitter. Criteria: Invitae Variant Classification Sherloc (09022015). Collection method: clinical testing. Allele origin: germline.

Myriad Genetics, Inc.
Classification: Benign for Familial adenomatous polyposis 1. Last evaluated: 2024-02-27. Review status: criteria provided, single submitter. Criteria: Myriad Autosomal Dominant, Autosomal Recessive and X-Linked Classification Criteria (2023). Collection method: clinical testing. Allele origin: unknown.
Comment: This variant is considered benign. This variant is a silent/synonymous amino acid change and it is not expected to impact splicing.

All of Us Research Program, National Institutes of Health
Classification: Likely benign for Classic or attenuated familial adenomatous polyposis. Last evaluated: 2023-12-13. Review status: criteria provided, single submitter. Criteria: ACMG Guidelines, 2015. Collection method: clinical testing. Allele origin: germline. Inheritance: Autosomal dominant inheritance. Observed: 1 variant allele, 1 heterozygote.
Comment: This study involves interpretation of variants in research participants for the purpose of population health screening. Participant phenotype was not available at the time of variant classification. Additional details can be found in publication PMID: 35346344, PMCID: PMC8962531

Ambry Genetics
Classification: Likely benign for Hereditary cancer-predisposing syndrome. Last evaluated: 2022-03-06. Review status: criteria provided, single submitter. Criteria: Ambry Variant Classification Scheme 2023. Collection method: clinical testing. Allele origin: germline.

Color Diagnostics, LLC DBA Color Health
Classification: Likely benign for Hereditary cancer-predisposing syndrome. Last evaluated: 2018-08-28. Review status: criteria provided, single submitter. Criteria: ACMG Guidelines, 2015. Collection method: clinical testing. Allele origin: germline.